The following is an entry in ClinVar:

ClinVar aggregate classification (germline): Uncertain significance (1 of 4 stars; one submission).

Submission:

Labcorp Genetics (formerly Invitae), Labcorp
Classification: Uncertain significance. Last evaluated: 2022-07-19. Review status: criteria provided, single submitter. Criteria: Invitae Variant Classification Sherloc (09022015). Collection method: clinical testing. Allele origin: germline.
Comment: In summary, the available evidence is currently insufficient to determine the role of this variant in disease. Therefore, it has been classified as a Variant of Uncertain Significance. Algorithms developed to predict the effect of missense changes on protein structure and function are either unavailable or do not agree on the potential impact of this missense change (SIFT: "Deleterious"; PolyPhen-2: "Possibly Damaging"; Align-GVGD: "Class C0"). This variant has not been reported in the literature in individuals affected with IL2RB-related conditions. This variant is not present in population databases (gnomAD no frequency). This sequence change replaces aspartic acid, which is acidic and polar, with tyrosine, which is neutral and polar, at codon 466 of the IL2RB protein (p.Asp466Tyr).

NM_000878.5(IL2RB):c.1396G>T (p.Asp466Tyr)

Gene: IL2RB (interleukin 2 receptor subunit beta; minus strand). Cytogenetic location: 22q12.3.
Variant type: single nucleotide variant.
Coding change: c.1396G>T on transcript NM_000878.5 (MANE Select); coding-DNA position 1396, G replaced by T.
Protein change: p.Asp466Tyr; replaces aspartic acid 466 with tyrosine.
Molecular consequence: missense variant.
Genome position (GRCh38, 1-based): chr22:37,128,356, C>A on the plus strand (G>T on the coding strand, the complement: IL2RB is on the minus strand). VCF-style: chr22-37128356-C-A. GRCh37 (hg19) VCF-style: chr22-37524396-C-A.
Other names: c.1396G>T, p.Asp466Tyr (NM_001346222.1, NM_001346223.2); short protein forms D466Y.
Identifiers: ClinVar variation 1718895 (VCV001718895.4), dbSNP rs2517832658, ClinGen allele CA411424233.